The following is an entry in ClinVar:

NM_177438.3(DICER1):c.2075G>A (p.Arg692Lys)

Gene: DICER1 (dicer 1, ribonuclease III; minus strand). Cytogenetic location: 14q32.13.
Variant type: single nucleotide variant.
Coding change: c.2075G>A on transcript NM_177438.3 (MANE Select); coding-DNA position 2075, G replaced by A.
Protein change: p.Arg692Lys; replaces arginine 692 with lysine.
Molecular consequence: missense variant.
Genome position (GRCh38, 1-based): chr14:95,112,213, C>T on the plus strand (G>A on the coding strand, the complement: DICER1 is on the minus strand). VCF-style: chr14-95112213-C-T. GRCh37 (hg19) VCF-style: chr14-95578550-C-T.
Other names: c.2075G>A, p.Arg692Lys (NM_001195573.1, NM_001271282.3, NM_001291628.2 and 1 more transcripts); short protein forms R692K.
Identifiers: ClinVar variation 479661 (VCV000479661.15), dbSNP rs1555371838, ClinGen allele CA390883077.
Genomic context (GRCh38, chr14:95,112,213, plus strand): 5'-GCTTTTCAAACATCCTTACCAATTTTGTGCAGTTTCTCACAGCAAATGAGAGCTACAACT[C>T]TTTCAGCCAATCGTACACAGCTCATTGGTGGACCCTGAAAATAACAAAAACCTTTCCATT-3'
Protein context (NP_803187.1, residues 682-702): PPMSCVRLAE[Arg692Lys]VVALICCEKL

ClinVar aggregate classification (germline): Uncertain significance. Review status: criteria provided, multiple submitters, no conflicts (2 of 4 stars). 2 submissions from 2 submitters: Uncertain significance (2). Last evaluated 2025-09-25.

Conditions:
DICER1-related tumor predisposition. Also called: DICER1-related pleuropulmonary blastoma cancer predisposition syndrome; DICER1 syndrome. Identifiers: Orphanet 284343, MedGen C3839822, MONDO:0100216.
Hereditary cancer-predisposing syndrome. Also called: Tumor predisposition; Neoplastic Syndromes, Hereditary; Hereditary Cancer Syndrome; Hereditary neoplastic syndrome. Identifiers: Orphanet 140162, MedGen C0027672, MeSH D009386, MONDO:0015356.

Allele frequency attached by ClinVar (database versions not stated): gnomAD exomes below 0.00001; gnomAD 0.00001; TOPMed 0.00002.
gnomAD v4.1: 2 of 1,613,932 alleles (0.00012%); highest among the groups gnomAD compares: African/African-American, 0.0013%; no homozygotes.

Submissions (2):

Ambry Genetics
Classification: Uncertain significance for Hereditary cancer-predisposing syndrome. Last evaluated: 2025-09-25. Review status: criteria provided, single submitter. Criteria: Ambry Variant Classification Scheme 2023. Collection method: clinical testing. Allele origin: germline.

Labcorp Genetics (formerly Invitae), Labcorp
Classification: Uncertain significance for DICER1-related tumor predisposition. Last evaluated: 2025-09-03. Review status: criteria provided, single submitter. Criteria: Invitae Variant Classification Sherloc (09022015). Collection method: clinical testing. Allele origin: germline.
Comment: This sequence change replaces arginine, which is basic and polar, with lysine, which is basic and polar, at codon 692 of the DICER1 protein (p.Arg692Lys). This variant is not present in population databases (gnomAD no frequency). This variant has not been reported in the literature in individuals affected with DICER1-related conditions. ClinVar contains an entry for this variant (Variation ID: 479661). Invitae Evidence Modeling of protein sequence and biophysical properties (such as structural, functional, and spatial information, amino acid conservation, physicochemical variation, residue mobility, and thermodynamic stability) indicates that this missense variant is not expected to disrupt DICER1 protein function with a negative predictive value of 95%. In summary, the available evidence is currently insufficient to determine the role of this variant in disease. Therefore, it has been classified as a Variant of Uncertain Significance.